The following is an entry in ClinVar:

ClinVar aggregate classification (germline): Uncertain significance (1 of 4 stars; one submission).

Conditions:
Autosomal dominant hypocalcemia 1 (HYPOC1). Also called: HYPOCALCEMIA, FAMILIAL. Identifiers: MedGen C3715128, MONDO:0011013, OMIM 601198.
Familial hypocalciuric hypercalcemia (FHH). Also called: Familial benign hypercalcemia. Identifiers: Orphanet 405, MedGen C1809471, MONDO:0018458.

Submission:

Labcorp Genetics (formerly Invitae), Labcorp
Classification: Uncertain significance for Familial hypocalciuric hypercalcemia; Autosomal dominant hypocalcemia 1. Last evaluated: 2023-10-26. Review status: criteria provided, single submitter. Criteria: Invitae Variant Classification Sherloc (09022015). Collection method: clinical testing. Allele origin: germline.
Comment: This variant, c.1790_1792del, results in the deletion of 1 amino acid(s) of the CASR protein (p.Ser597del), but otherwise preserves the integrity of the reading frame. This variant is not present in population databases (gnomAD no frequency). This variant has not been reported in the literature in individuals affected with CASR-related conditions. Experimental studies and prediction algorithms are not available or were not evaluated, and the functional significance of this variant is currently unknown. In summary, the available evidence is currently insufficient to determine the role of this variant in disease. Therefore, it has been classified as a Variant of Uncertain Significance.

NM_000388.4(CASR):c.1787CCT[1] (p.Ser597del)

Gene: CASR (calcium sensing receptor; plus strand). Cytogenetic location: 3q21.1.
Variant type: Microsatellite.
Coding change: c.1787CCT[1] on transcript NM_000388.4 (MANE Select); one copy of the 3-base unit CCT starting at c.1787; the reference has two copies in a row; one copy, 3 bases deleted.
Protein change: p.Ser597del; deletes serine 597.
Molecular consequence: inframe deletion.
Genome position (GRCh38, 1-based): chr3:122,283,744-122,283,746, CCT deleted; deleting any 3 consecutive bases within chr3:122,283,741-122,283,746 gives the same sequence; the position shown is the placement nearest the transcript's 3' end. VCF-style (leftmost placement, unchanged base first): chr3-122283740-ACCT-A. GRCh37 (hg19) VCF-style: chr3-122002587-ACCT-A.
Other names: c.1817CCT[1], p.Ser607del (NM_001178065.2); short protein forms S607del, S597del.
Identifiers: ClinVar variation 2953299 (VCV002953299.3), dbSNP rs2473276244, ClinGen allele CA2740094568.